The following is an entry in ClinVar:

NM_001193315.2(VIPAS39):c.885G>A (p.Thr295=)

Gene: VIPAS39 (VPS33B interacting protein, apical-basolateral polarity regulator, spe-39 homolog; minus strand). Cytogenetic location: 14q24.3.
Variant type: single nucleotide variant.
Coding change: c.885G>A on transcript NM_001193315.2 (MANE Select); coding-DNA position 885, G replaced by A.
Protein change: p.Thr295=; no amino-acid change (threonine 295 retained).
Molecular consequence: synonymous variant. On other transcripts: non-coding transcript variant (1), intron variant (1).
Genome position (GRCh38, 1-based): chr14:77,435,871, C>T on the plus strand (G>A on the coding strand, the complement: VIPAS39 is on the minus strand). VCF-style: chr14-77435871-C-T. GRCh37 (hg19) VCF-style: chr14-77902214-C-T.
Other names: c.885G>A, p.Thr295= (NM_001193314.2, NM_001193317.2, NM_001400326.1 and 6 more transcripts); c.738G>A, p.Thr246= (NM_001193316.2, NM_001400324.1, NM_001400325.1); c.852G>A, p.Thr284= (NM_001400327.1); c.792G>A, p.Thr264= (NM_001400333.1, NM_001400334.1); c.645G>A, p.Thr215= (NM_001400337.1); c.783G>A, p.Thr261= (NM_001400338.1); c.763-1568G>A (NM_001400339.1).
Identifiers: ClinVar variation 3350245 (VCV003350245.2).

ClinVar aggregate classification (germline): Likely benign. Review status: criteria provided, single submitter (1 of 4 stars). 2 submissions from 2 submitters: Likely benign (1). 1 of the submissions does not count toward it. Last evaluated 2025-07-03.

Conditions:
VIPAS39-related disorder. Also called: VIPAS39-related condition.

gnomAD v4.1: 21 of 1,613,972 alleles (0.0013%); highest among the groups gnomAD compares: East Asian, 0.0045%; no homozygotes.

Submissions (2):

Labcorp Genetics (formerly Invitae), Labcorp
Classification: Likely benign. Last evaluated: 2025-07-03. Review status: criteria provided, single submitter. Criteria: Invitae Variant Classification Sherloc (09022015). Collection method: clinical testing. Allele origin: germline.

PreventionGenetics, part of Exact Sciences
Classification: Likely benign for VIPAS39-related condition. Last evaluated: 2024-03-28. Review status: no assertion criteria provided. Collection method: clinical testing. Allele origin: germline. Not counted in ClinVar's aggregate classification.
Comment: This variant is classified as likely benign based on ACMG/AMP sequence variant interpretation guidelines (Richards et al. 2015 PMID: 25741868, with internal and published modifications).